The following is an entry in ClinVar:

NM_002047.4(GARS1):c.309G>C (p.Arg103Ser)

Gene: GARS1 (glycyl-tRNA synthetase 1; plus strand). Cytogenetic location: 7p14.3.
Variant type: single nucleotide variant.
Coding change: c.309G>C on transcript NM_002047.4 (MANE Select); coding-DNA position 309, G replaced by C.
Protein change: p.Arg103Ser; replaces arginine 103 with serine.
Molecular consequence: missense variant.
Genome position (GRCh38, 1-based): chr7:30,598,882, G>C. VCF-style: chr7-30598882-G-C. GRCh37 (hg19) VCF-style: chr7-30638498-G-C.
Other names: c.147G>C, p.Arg49Ser (NM_001316772.1); short protein forms R103S, R49S.
Identifiers: ClinVar variation 933677 (VCV000933677.10), dbSNP rs768571328, ClinGen allele CA4205647.

ClinVar aggregate classification (germline): Uncertain significance. Review status: criteria provided, multiple submitters, no conflicts (2 of 4 stars). 2 submissions from 2 submitters: Uncertain significance (2). Last evaluated 2025-10-02.

Conditions:
Charcot-Marie-Tooth disease type 2. Also called: Charcot-Marie-Tooth type 2. Identifiers: Orphanet 64746, MedGen C0270914, MONDO:0018993.

Allele frequency attached by ClinVar (database versions not stated): gnomAD exomes below 0.00001; TOPMed below 0.00001; ExAC 0.00001.
gnomAD v4.1: 4 of 1,613,882 alleles (0.00025%); highest among the groups gnomAD compares: Middle Eastern, 0.033%; no homozygotes.

Submissions (2):

Ambry Genetics
Classification: Uncertain significance. Last evaluated: 2025-10-02. Review status: criteria provided, single submitter. Criteria: Ambry Variant Classification Scheme 2023. Collection method: clinical testing. Allele origin: germline.

Labcorp Genetics (formerly Invitae), Labcorp
Classification: Uncertain significance for Charcot-Marie-Tooth disease type 2. Last evaluated: 2023-05-15. Review status: criteria provided, single submitter. Criteria: Invitae Variant Classification Sherloc (09022015). Collection method: clinical testing. Allele origin: germline.
Comment: ClinVar contains an entry for this variant (Variation ID: 933677). This variant has not been reported in the literature in individuals affected with GARS-related conditions. This variant is present in population databases (rs768571328, gnomAD 0.0009%). This sequence change replaces arginine, which is basic and polar, with serine, which is neutral and polar, at codon 103 of the GARS protein (p.Arg103Ser). Advanced modeling of protein sequence and biophysical properties (such as structural, functional, and spatial information, amino acid conservation, physicochemical variation, residue mobility, and thermodynamic stability) performed at Invitae indicates that this missense variant is not expected to disrupt GARS protein function. In summary, the available evidence is currently insufficient to determine the role of this variant in disease. Therefore, it has been classified as a Variant of Uncertain Significance.